The following is an entry in ClinVar:

NM_000136.3(FANCC):c.839C>A (p.Ser280Ter)

Genes: AOPEP (aminopeptidase O (putative); plus strand), FANCC (FA complementation group C; minus strand). Cytogenetic location: 9q22.32.
Variant type: single nucleotide variant.
Coding change: c.839C>A on transcript NM_000136.3 (MANE Select); coding-DNA position 839, C replaced by A.
Protein change: p.Ser280Ter; replaces serine 280 with a stop codon.
Molecular consequence: nonsense.
Genome position (GRCh38, 1-based): chr9:95,135,350, G>T on the plus strand (C>A on the coding strand, the complement: FANCC is on the minus strand). VCF-style: chr9-95135350-G-T. GRCh37 (hg19) VCF-style: chr9-97897632-G-T.
Other names: c.839C>A, p.Ser280Ter (NM_001243743.2, NM_001243744.2); short protein forms S280*.
Identifiers: ClinVar variation 1192126 (VCV001192126.8), dbSNP rs749230615, ClinGen allele CA374109175.

ClinVar aggregate classification (germline): Pathogenic. Review status: criteria provided, multiple submitters, no conflicts (2 of 4 stars). 2 submissions from 2 submitters: Pathogenic (2). Last evaluated 2022-03-27.

Conditions:
Fanconi anemia (FA). Also called: Fanconi's anemia. Identifiers: Orphanet 84, MedGen C0015625, MeSH D005199, MONDO:0019391.

Submissions (2):

Labcorp Genetics (formerly Invitae), Labcorp
Classification: Pathogenic for Fanconi anemia. Last evaluated: 2022-03-27. Review status: criteria provided, single submitter. Criteria: Invitae Variant Classification Sherloc (09022015). Collection method: clinical testing. Allele origin: germline.
Comment: This variant is not present in population databases (gnomAD no frequency). For these reasons, this variant has been classified as Pathogenic. ClinVar contains an entry for this variant (Variation ID: 1192126). This variant has not been reported in the literature in individuals affected with FANCC-related conditions. This sequence change creates a premature translational stop signal (p.Ser280*) in the FANCC gene. It is expected to result in an absent or disrupted protein product. Loss-of-function variants in FANCC are known to be pathogenic (PMID: 17924555).

GeneDx
Classification: Pathogenic. Last evaluated: 2019-09-03. Review status: criteria provided, single submitter. Criteria: GeneDx Variant Classification Process June 2021. Collection method: clinical testing. Allele origin: germline. Affected: yes.
Comment: Nonsense variant predicted to result in protein truncation or nonsense mediated decay in a gene for which loss-of-function is a known mechanism of disease; Not observed in large population cohorts (Lek 2016); Has not been previously published as pathogenic or benign to our knowledge

Literature cited by the submitters: PubMed 17924555 (cited by Labcorp Genetics (formerly Invitae), Labcorp).